The following is an entry in ClinVar:

NM_032578.4(MYPN):c.146G>A (p.Gly49Glu)

Gene: MYPN (myopalladin; plus strand). Cytogenetic location: 10q21.3.
Variant type: single nucleotide variant.
Coding change: c.146G>A on transcript NM_032578.4 (MANE Select); coding-DNA position 146, G replaced by A.
Protein change: p.Gly49Glu; replaces glycine 49 with glutamic acid.
Molecular consequence: missense variant. On other transcripts: 5 prime UTR variant (1), non-coding transcript variant (1).
Genome position (GRCh38, 1-based): chr10:68,121,584, G>A. VCF-style: chr10-68121584-G-A. GRCh37 (hg19) VCF-style: chr10-69881341-G-A.
Other names: c.146G>A, p.Gly49Glu (NM_001256267.2); c.-977G>A (NM_001256268.2); short protein forms G49E.
Identifiers: ClinVar variation 3298145 (VCV003298145.1).

ClinVar aggregate classification (germline): Uncertain significance (1 of 4 stars; one submission).

Conditions:
Cardiovascular phenotype. Identifiers: MedGen CN230736.

Submission:

Ambry Genetics
Classification: Uncertain significance for Cardiovascular phenotype. Last evaluated: 2024-05-12. Review status: criteria provided, single submitter. Criteria: Ambry Variant Classification Scheme 2023. Collection method: clinical testing. Allele origin: germline.
Comment: The p.G49E variant (also known as c.146G>A), located in coding exon 1 of the MYPN gene, results from a G to A substitution at nucleotide position 146. The glycine at codon 49 is replaced by glutamic acid, an amino acid with similar properties. This amino acid position is conserved. In addition, this alteration is predicted to be tolerated by in silico analysis. Based on the available evidence, the clinical significance of this variant remains unclear.